The following is an entry in ClinVar:

ClinVar aggregate classification (germline): Uncertain significance (1 of 4 stars; one submission).

Submission:

Labcorp Genetics (formerly Invitae), Labcorp
Classification: Uncertain significance. Last evaluated: 2025-04-27. Review status: criteria provided, single submitter. Criteria: Invitae Variant Classification Sherloc (09022015). Collection method: clinical testing. Allele origin: germline.
Comment: This sequence change replaces aspartic acid, which is acidic and polar, with valine, which is neutral and non-polar, at codon 567 of the SIRT1 protein (p.Asp567Val). This variant is not present in population databases (gnomAD no frequency). This variant has not been reported in the literature in individuals affected with SIRT1-related conditions. An algorithm developed to predict the effect of missense changes on protein structure and function (PolyPhen-2) suggests that this variant is likely to be tolerated. In summary, the available evidence is currently insufficient to determine the role of this variant in disease. Therefore, it has been classified as a Variant of Uncertain Significance.

NM_012238.5(SIRT1):c.1700A>T (p.Asp567Val)

Gene: SIRT1 (sirtuin 1; plus strand). Cytogenetic location: 10q21.3.
Variant type: single nucleotide variant.
Coding change: c.1700A>T on transcript NM_012238.5 (MANE Select); coding-DNA position 1700, A replaced by T.
Protein change: p.Asp567Val; replaces aspartic acid 567 with valine.
Molecular consequence: missense variant.
Genome position (GRCh38, 1-based): chr10:67,912,816, A>T. VCF-style: chr10-67912816-A-T. GRCh37 (hg19) VCF-style: chr10-69672573-A-T.
Other names: c.815A>T, p.Asp272Val (NM_001142498.2); c.791A>T, p.Asp264Val (NM_001314049.2); short protein forms D567V, D264V, D272V.
Identifiers: ClinVar variation 4718433 (VCV004718433.1).